The following is an entry in ClinVar:

ClinVar aggregate classification (germline): Uncertain significance (1 of 4 stars; one submission).

Conditions:
Dilated cardiomyopathy 1G (CMD1G). Identifiers: Orphanet 154, MedGen C1858763, MONDO:0011400, OMIM 604145.
Autosomal recessive limb-girdle muscular dystrophy type 2J (LGMDR10). Also called: Limb-girdle muscular dystrophy, type 2J; MUSCULAR DYSTROPHY, LIMB-GIRDLE, AUTOSOMAL RECESSIVE 10. Identifiers: Orphanet 140922, MedGen C1837342, MONDO:0012127, OMIM 608807.

Submission:

Labcorp Genetics (formerly Invitae), Labcorp
Classification: Uncertain significance for Dilated cardiomyopathy 1G; Autosomal recessive limb-girdle muscular dystrophy type 2J. Last evaluated: 2023-02-08. Review status: criteria provided, single submitter. Criteria: Invitae Variant Classification Sherloc (09022015). Collection method: clinical testing. Allele origin: germline.
Comment: In summary, the available evidence is currently insufficient to determine the role of this variant in disease. Therefore, it has been classified as a Variant of Uncertain Significance. Experimental studies and prediction algorithms are not available or were not evaluated, and the functional significance of this variant is currently unknown. This variant has not been reported in the literature in individuals affected with TTN-related conditions. This variant is not present in population databases (gnomAD no frequency). This sequence change replaces serine, which is neutral and polar, with glycine, which is neutral and non-polar, at codon 35842 of the TTN protein (p.Ser35842Gly). This variant is located in the M band of TTN (PMID: 25589632). Variants in this region may be relevant for neuromuscular disorders, but have not been definitively shown to cause cardiomyopathy (PMID: 23975875).

Literature cited by the submitters: PubMed 25589632; PubMed 23975875.

NM_001267550.2(TTN):c.107524A>G (p.Ser35842Gly)

Genes: TTN (titin; minus strand), TTN-AS1 (TTN antisense RNA 1; plus strand). Cytogenetic location: 2q31.2.
Variant type: single nucleotide variant.
Coding change: c.107524A>G on transcript NM_001267550.2 (MANE Select); coding-DNA position 107524, A replaced by G.
Protein change: p.Ser35842Gly; replaces serine 35842 with glycine.
Molecular consequence: missense variant.
Genome position (GRCh38, 1-based): chr2:178,527,602, T>C on the plus strand (A>G on the coding strand, the complement: TTN is on the minus strand). VCF-style: chr2-178527602-T-C. GRCh37 (hg19) VCF-style: chr2-179392329-T-C.
Other names: c.102601A>G, p.Ser34201Gly (NM_001256850.1); c.80329A>G, p.Ser26777Gly (NM_003319.4); c.99820A>G, p.Ser33274Gly (NM_133378.4); c.80704A>G, p.Ser26902Gly (NM_133432.3); c.80905A>G, p.Ser26969Gly (NM_133437.4); short protein forms S26777G, S26969G, S26902G, S35842G, S33274G, S34201G.
Identifiers: ClinVar variation 2940743 (VCV002940743.3), dbSNP rs1159932860, ClinGen allele CA349400193.
Genomic context (GRCh38, chr2:178,527,602, plus strand): 5'-ACTCTTGCATGGAGGACATGCTTTGGGCAGACATGCTTGCAAATTTCATCTCAGTCATGC[T>C]GCTAGCACTGCTGCTGCTGAAACTGCTGAAGGAGGCCTCCTGCTTGGAGGCAGACATTTG-3'
Protein context (NP_001254479.2, residues 35832-35852): FSSFSSSSAS[Ser35842Gly]MTEMKFASMS